The following is an entry in ClinVar:

NM_012310.5(KIF4A):c.3490A>G (p.Ser1164Gly)

Gene: KIF4A (kinesin family member 4A; plus strand). Cytogenetic location: Xq13.1.
Variant type: single nucleotide variant.
Coding change: c.3490A>G on transcript NM_012310.5 (MANE Select); coding-DNA position 3490, A replaced by G.
Protein change: p.Ser1164Gly; replaces serine 1164 with glycine.
Molecular consequence: missense variant.
Genome position (GRCh38, 1-based): chrX:70,419,778, A>G. VCF-style: chrX-70419778-A-G. GRCh37 (hg19) VCF-style: chrX-69639628-A-G.
Other names: short protein forms S1164G.
Identifiers: ClinVar variation 1695811 (VCV001695811.2), dbSNP rs753011575, ClinGen allele CA10441491.

ClinVar aggregate classification (germline): Uncertain significance (1 of 4 stars; one submission).

Allele frequency attached by ClinVar (database versions not stated): gnomAD exomes below 0.00001 and 0.00001; ExAC 0.00001; TOPMed 0.00001; gnomAD 0.00003.
gnomAD v4.1: 4 of 1,208,798 alleles (0.00033%); highest among the groups gnomAD compares: African/African-American, 0.007%; no homozygotes.

Submission:

GeneDx
Classification: Uncertain significance. Last evaluated: 2022-01-06. Review status: criteria provided, single submitter. Criteria: GeneDx Variant Classification Process June 2021. Collection method: clinical testing. Allele origin: germline. Affected: yes.
Comment: In silico analysis supports that this missense variant does not alter protein structure/function; Has not been previously published as pathogenic or benign to our knowledge